The following is an entry in ClinVar:

NM_018475.5(TMEM165):c.35C>G (p.Ser12Trp)

Genes: TMEM165 (transmembrane protein 165; plus strand), LOC129992613 (ATAC-STARR-seq lymphoblastoid silent region 15439; plus strand). Cytogenetic location: 4q12.
Variant type: single nucleotide variant.
Coding change: c.35C>G on transcript NM_018475.5 (MANE Select); coding-DNA position 35, C replaced by G.
Protein change: p.Ser12Trp; replaces serine 12 with tryptophan.
Molecular consequence: missense variant. On other transcripts: non-coding transcript variant (1).
Genome position (GRCh38, 1-based): chr4:55,396,224, C>G. VCF-style: chr4-55396224-C-G. GRCh37 (hg19) VCF-style: chr4-56262391-C-G.
Other names: short protein forms S12W.
Identifiers: ClinVar variation 1898585 (VCV001898585.5), dbSNP rs1187840985, ClinGen allele CA356958662.

ClinVar aggregate classification (germline): Uncertain significance (1 of 4 stars; one submission).

Conditions:
TMEM165-congenital disorder of glycosylation. Also called: CDG IIk; Congenital disorder of glycosylation type 2k; TMEM165-CDG. Identifiers: Orphanet 314667, MedGen C3553571, MONDO:0013870, OMIM 614727.

Allele frequency attached by ClinVar (database versions not stated): TOPMed below 0.00001.
gnomAD v4.1: 4 of 1,459,368 alleles (0.00027%); highest among the groups gnomAD compares: Non-Finnish European, 0.00036%; no homozygotes.

Submission:

Labcorp Genetics (formerly Invitae), Labcorp
Classification: Uncertain significance for TMEM165-congenital disorder of glycosylation. Last evaluated: 2022-11-01. Review status: criteria provided, single submitter. Criteria: Invitae Variant Classification Sherloc (09022015). Collection method: clinical testing. Allele origin: germline.
Comment: In summary, the available evidence is currently insufficient to determine the role of this variant in disease. Therefore, it has been classified as a Variant of Uncertain Significance. Algorithms developed to predict the effect of missense changes on protein structure and function are either unavailable or do not agree on the potential impact of this missense change (SIFT: "Deleterious"; PolyPhen-2: "Not Available"; Align-GVGD: "Class C0"). This variant has not been reported in the literature in individuals affected with TMEM165-related conditions. This variant is not present in population databases (gnomAD no frequency). This sequence change replaces serine, which is neutral and polar, with tryptophan, which is neutral and slightly polar, at codon 12 of the TMEM165 protein (p.Ser12Trp).